The following is an entry in ClinVar:

ClinVar aggregate classification (germline): Uncertain significance. Review status: criteria provided, multiple submitters, no conflicts (2 of 4 stars). 2 submissions from 2 submitters: Uncertain significance (2). Last evaluated 2022-05-05.

Conditions:
Duchenne muscular dystrophy (DMD). Also called: MUSCULAR DYSTROPHY, PSEUDOHYPERTROPHIC PROGRESSIVE, DUCHENNE TYPE; Duchenne Muscular Dystrophy (DMD). Identifiers: Orphanet 98896, MedGen C0013264, MONDO:0010679, OMIM 310200.

Submissions (2):

GeneDx
Classification: Uncertain significance. Last evaluated: 2022-05-05. Review status: criteria provided, single submitter. Criteria: GeneDx Variant Classification Process June 2021. Collection method: clinical testing. Allele origin: germline. Affected: yes.
Comment: Not observed at significant frequency in large population cohorts (gnomAD); In silico analysis supports that this missense variant has a deleterious effect on protein structure/function; Missense variant in a gene in which most reported pathogenic variants are truncating/loss of function; Has not been previously published as pathogenic or benign to our knowledge

Baylor Genetics
Classification: Uncertain significance for Duchenne muscular dystrophy. Last evaluated: 2018-01-16. Review status: criteria provided, single submitter. Criteria: ACMG Guidelines, 2015. Collection method: clinical testing. Allele origin: maternal. Affected: yes.
Comment: This variant was determined to be of uncertain significance according to ACMG Guidelines, 2015 [PMID:25741868].

NM_004006.3(DMD):c.1153T>C (p.Tyr385His)

Gene: DMD (dystrophin; minus strand). Cytogenetic location: Xp21.1.
Variant type: single nucleotide variant.
Coding change: c.1153T>C on transcript NM_004006.3 (MANE Select); coding-DNA position 1153, T replaced by C.
Protein change: p.Tyr385His; replaces tyrosine 385 with histidine.
Molecular consequence: missense variant.
Genome position (GRCh38, 1-based): chrX:32,644,310, A>G on the plus strand (T>C on the coding strand, the complement: DMD is on the minus strand). VCF-style: chrX-32644310-A-G. GRCh37 (hg19) VCF-style: chrX-32662427-A-G.
Other names: c.1129T>C, p.Tyr377His (NM_000109.4); c.1141T>C, p.Tyr381His (NM_004009.3); c.784T>C, p.Tyr262His (NM_004010.3); short protein forms Y385H, Y381H, Y377H, Y262H.
Identifiers: ClinVar variation 1032175 (VCV001032175.3), dbSNP rs2059650911, ClinGen allele CA412661475.